The following is an entry in ClinVar:

ClinVar aggregate classification (germline): Conflicting classifications of pathogenicity. Review status: criteria provided, conflicting classifications (1 of 4 stars). 5 submissions from 5 submitters: Uncertain significance (3); Likely benign (2). Last evaluated 2025-03-14.

Conditions:
Hereditary cancer-predisposing syndrome. Also called: Hereditary neoplastic syndrome; Hereditary Cancer Syndrome; Neoplastic Syndromes, Hereditary; Tumor predisposition. Identifiers: Orphanet 140162, MedGen C0027672, MeSH D009386, MONDO:0015356.
Hereditary breast ovarian cancer syndrome. Also called: BRCA1- and BRCA2-Associated Hereditary Breast and Ovarian Cancer; Hereditary breast and ovarian cancer syndrome; Hereditary breast and ovarian cancer; Hereditary breast and ovarian cancer syndrome (HBOC); Breast and ovarian cancer; Hereditary breast and/or ovarian cancer syndrome. Identifiers: Orphanet 145, MedGen C0677776, MeSH D061325, MONDO:0003582. Disease mechanism: loss of function.

Submissions (5):

Ambry Genetics
Classification: Likely benign for Hereditary cancer-predisposing syndrome. Last evaluated: 2025-03-14. Review status: criteria provided, single submitter. Criteria: Ambry Variant Classification Scheme 2023. Collection method: clinical testing. Allele origin: germline.

Color Diagnostics, LLC DBA Color Health
Classification: Uncertain significance for Hereditary cancer-predisposing syndrome. Last evaluated: 2023-12-05. Review status: criteria provided, single submitter. Criteria: ACMG Guidelines, 2015. Collection method: clinical testing. Allele origin: germline.
Comment: This missense variant replaces cysteine with serine at codon 1591 of the BRCA2 protein. Computational prediction suggests that this variant may not impact protein structure and function (internally defined REVEL score threshold <= 0.5, PMID: 27666373). To our knowledge, functional studies have not been reported for this variant. This variant has not been reported in individuals affected with BRCA2-related disorders in the literature. This variant has not been identified in the general population by the Genome Aggregation Database (gnomAD). The available evidence is insufficient to determine the role of this variant in disease conclusively. Therefore, this variant is classified as a Variant of Uncertain Significance.

University of Washington Department of Laboratory Medicine, University of Washington
Classification: Likely benign for Hereditary cancer-predisposing syndrome. Last evaluated: 2023-03-23. Review status: criteria provided, single submitter. Criteria: Dines et al. (Genet Med. 2020). Collection method: curation. Allele origin: germline.
Comment: Missense variant in a coldspot region where missense variants are very unlikely to be pathogenic (PMID:31911673).

BRCA2 exon 11 coldspot. Reclassification based on statistical prior probability.

Labcorp Genetics (formerly Invitae), Labcorp
Classification: Uncertain significance for Hereditary breast ovarian cancer syndrome. Last evaluated: 2022-10-25. Review status: criteria provided, single submitter. Criteria: Invitae Variant Classification Sherloc (09022015). Collection method: clinical testing. Allele origin: germline.
Comment: In summary, the available evidence is currently insufficient to determine the role of this variant in disease. Therefore, it has been classified as a Variant of Uncertain Significance. Advanced modeling of protein sequence and biophysical properties (such as structural, functional, and spatial information, amino acid conservation, physicochemical variation, residue mobility, and thermodynamic stability) performed at Invitae indicates that this missense variant is not expected to disrupt BRCA2 protein function. ClinVar contains an entry for this variant (Variation ID: 234427). This variant has not been reported in the literature in individuals affected with BRCA2-related conditions. This variant is not present in population databases (gnomAD no frequency). This sequence change replaces cysteine, which is neutral and slightly polar, with serine, which is neutral and polar, at codon 1591 of the BRCA2 protein (p.Cys1591Ser).

GeneDx
Classification: Uncertain significance. Last evaluated: 2015-11-19. Review status: criteria provided, single submitter. Criteria: GeneDx Variant Classification (06012015). Collection method: clinical testing. Allele origin: germline. Affected: yes.
Comment: This variant is denoted BRCA2 c.4771T>A at the cDNA level, p.Cys1591Ser (C1591S) at the protein level, and results in the change of a Cysteine to a Serine (TGT>AGT). Using alternate nomenclature, this variant would be defined as BRCA2 4999T>A. This variant has not, to our knowledge, been published in the literature as pathogenic or benign. BRCA2 Cys1591Ser was not observed at a significant allele frequency in the NHLBI Exome Sequencing Project. Since Cysteine and Serine differ in polarity, charge, size or other properties, this is considered a non-conservative amino acid substitution. BRCA2 Cys1591Ser occurs at a position that is not conserved and is located within the RAD51 and POLH interaction region and within the region required for stimulation of POLH DNA polymerization activity (Bignell 1997, UniProt). In silico analyses predict that this variant is unlikely to alter protein structure or function. Based on currently available evidence, it is unclear whether BRCA2 Cys1591Ser is a pathogenic or benign variant. We consider it to be a variant of uncertain significance.

NM_000059.4(BRCA2):c.4771T>A (p.Cys1591Ser)

Gene: BRCA2 (BRCA2 DNA repair associated; plus strand). Cytogenetic location: 13q13.1.
Variant type: single nucleotide variant.
Coding change: c.4771T>A on transcript NM_000059.4 (MANE Select); coding-DNA position 4771, T replaced by A.
Protein change: p.Cys1591Ser; replaces cysteine 1591 with serine.
Molecular consequence: missense variant.
Genome position (GRCh38, 1-based): chr13:32,339,126, T>A. VCF-style: chr13-32339126-T-A. GRCh37 (hg19) VCF-style: chr13-32913263-T-A.
Other names: short protein forms C1591S.
Identifiers: ClinVar variation 234427 (VCV000234427.18), dbSNP rs781130788, ClinGen allele CA10577475.